The following is an entry in ClinVar:

ClinVar aggregate classification (germline): Uncertain significance (1 of 4 stars; one submission).

Conditions:
Aortic aneurysm, familial thoracic 7 (AAT7). Also called: AORTIC DISSECTION, FAMILIAL, WITH OR WITHOUT AORTIC ANEURYSM. Identifiers: MedGen C3151077, MONDO:0013418, OMIM 613780.

Allele frequency attached by ClinVar (database versions not stated): gnomAD exomes below 0.00001; ExAC 0.00001.
gnomAD v4.1: 1 of 1,614,240 alleles (0.000062%); highest among the groups gnomAD compares: Non-Finnish European, 0.000085%; no homozygotes.

Submission:

Labcorp Genetics (formerly Invitae), Labcorp
Classification: Uncertain significance for Aortic aneurysm, familial thoracic 7. Last evaluated: 2020-02-10. Review status: criteria provided, single submitter. Criteria: Invitae Variant Classification Sherloc (09022015). Collection method: clinical testing. Allele origin: germline.
Comment: This variant is present in population databases (rs758305428, ExAC 0.001%) but has not been reported in the literature in individuals with a MYLK-related disease. This sequence change replaces serine with glycine at codon 1416 of the MYLK protein (p.Ser1416Gly). The serine residue is highly conserved and there is a small physicochemical difference between serine and glycine. Algorithms developed to predict the effect of missense changes on protein structure and function (SIFT, PolyPhen-2, Align-GVGD) all suggest that this variant is likely to be disruptive, but these predictions have not been confirmed by published functional studies. In summary, this variant is a rare missense change with uncertain impact on protein function. There is no indication that it causes disease, but the available evidence is currently insufficient to prove that conclusively. Therefore, it has been classified as a Variant of Uncertain Significance.

NM_053025.4(MYLK):c.4246A>G (p.Ser1416Gly)

Gene: MYLK (myosin light chain kinase; minus strand). Cytogenetic location: 3q21.1.
Variant type: single nucleotide variant.
Coding change: c.4246A>G on transcript NM_053025.4 (MANE Select); coding-DNA position 4246, A replaced by G.
Protein change: p.Ser1416Gly; replaces serine 1416 with glycine.
Molecular consequence: missense variant.
Genome position (GRCh38, 1-based): chr3:123,657,168, T>C on the plus strand (A>G on the coding strand, the complement: MYLK is on the minus strand). VCF-style: chr3-123657168-T-C. GRCh37 (hg19) VCF-style: chr3-123376015-T-C.
Other names: c.3718A>G, p.Ser1240Gly (NM_001321309.2); c.4039A>G, p.Ser1347Gly (NM_053026.4, NM_053028.4); c.4246A>G, p.Ser1416Gly (NM_053027.4); short protein forms S1416G, S1240G, S1347G.
Identifiers: ClinVar variation 409706 (VCV000409706.8), dbSNP rs758305428, ClinGen allele CA071125.